The following is an entry in ClinVar:

ClinVar aggregate classification (germline): Pathogenic (3 of 4 stars; one submission).

Conditions:
Breast-ovarian cancer, familial, susceptibility to, 2 (BROVCA2). Also called: BRCA2 Hereditary Breast and Ovarian Cancer. Identifiers: Orphanet 145, MedGen C2675520, MONDO:0012933, OMIM 612555. Disease mechanism: loss of function.

Submission:

Evidence-based Network for the Interpretation of Germline Mutant Alleles (ENIGMA)
Classification: Pathogenic for Breast-ovarian cancer, familial, susceptibility to, 2. Last evaluated: 2017-12-15. Review status: reviewed by expert panel. Criteria: ENIGMA BRCA1/2 Classification Criteria (2017-06-29). Collection method: curation. Allele origin: germline. Study: ENIGMA.
Comment: Variant allele predicted to encode a truncated non-functional protein.

NM_000059.4(BRCA2):c.1812_1813insC (p.Ile605fs)

Gene: BRCA2 (BRCA2 DNA repair associated; plus strand). Cytogenetic location: 13q13.1.
Variant type: Insertion.
Coding change: c.1812_1813insC on transcript NM_000059.4 (MANE Select); coding-DNA positions 1812 to 1813, C inserted.
Protein change: p.Ile605fs; shifts the reading frame from isoleucine 605.
Molecular consequence: frameshift variant.
Genome position: GRCh38 VCF-style: chr13-32333290-A-AC. GRCh37 (hg19) VCF-style: chr13-32907427-A-AC.
Other names: short protein forms I605fs.
Identifiers: ClinVar variation 548372 (VCV000548372.1), dbSNP rs1555282094, ClinGen allele CA658823588.